The following is an entry in ClinVar:

NM_001127644.2(GABRA1):c.1162A>C (p.Thr388Pro)

Gene: GABRA1 (gamma-aminobutyric acid type A receptor subunit alpha1; plus strand). Cytogenetic location: 5q34.
Variant type: single nucleotide variant.
Coding change: c.1162A>C on transcript NM_001127644.2 (MANE Select); coding-DNA position 1162, A replaced by C.
Protein change: p.Thr388Pro; replaces threonine 388 with proline.
Molecular consequence: missense variant.
Genome position (GRCh38, 1-based): chr5:161,897,213, A>C. VCF-style: chr5-161897213-A-C. GRCh37 (hg19) VCF-style: chr5-161324219-A-C.
Other names: c.1162A>C, p.Thr388Pro (NM_000806.5, NM_001127643.2, NM_001127645.2 and 1 more transcripts); short protein forms T388P.
Identifiers: ClinVar variation 1374244 (VCV001374244.6), dbSNP rs2113469919, ClinGen allele CA362180782.

ClinVar aggregate classification (germline): Uncertain significance (1 of 4 stars; one submission).

Conditions:
Idiopathic generalized epilepsy. Also called: Generalised epilepsy; EIG. Identifiers: MedGen C0270850, MONDO:0005579, OMIM 600669.
Epilepsy, idiopathic generalized, susceptibility to, 13. Also called: EPILEPSY, JUVENILE MYOCLONIC, SUSCEPTIBILITY TO, 5. Identifiers: Orphanet 307, Orphanet 64280, MedGen C4013473, MONDO:0012627, OMIM 611136.
Epilepsy, childhood absence 4 (ECA4). Also called: EPILEPSY, CHILDHOOD ABSENCE, SUSCEPTIBILITY TO, 4. Identifiers: Orphanet 307, MedGen C1970160.

Submission:

Labcorp Genetics (formerly Invitae), Labcorp
Classification: Uncertain significance for Epilepsy, childhood absence 4; Epilepsy, idiopathic generalized, susceptibility to, 13; Idiopathic generalized epilepsy. Last evaluated: 2021-08-11. Review status: criteria provided, single submitter. Criteria: Invitae Variant Classification Sherloc (09022015). Collection method: clinical testing. Allele origin: germline.
Comment: In summary, the available evidence is currently insufficient to determine the role of this variant in disease. Therefore, it has been classified as a Variant of Uncertain Significance. Algorithms developed to predict the effect of missense changes on protein structure and function are either unavailable or do not agree on the potential impact of this missense change (SIFT: "Tolerated"; PolyPhen-2: "Probably Damaging"; Align-GVGD: "Class C0"). This variant has not been reported in the literature in individuals affected with GABRA1-related conditions. This variant is not present in population databases (ExAC no frequency). This sequence change replaces threonine with proline at codon 388 of the GABRA1 protein (p.Thr388Pro). The threonine residue is highly conserved and there is a small physicochemical difference between threonine and proline.